The following continues an entry in ClinVar:

NM_000552.5(VWF):c.6859C>T (p.Arg2287Trp)

Gene: VWF. ClinVar aggregate classification (germline): Uncertain significance. Uncertain significance (1).

Submissions 6 to 13 of 13:

ARUP Laboratories, Molecular Genetics and Genomics, ARUP Laboratories
Classification: Uncertain significance. Last evaluated: 2025-07-24. Review status: criteria provided, single submitter. Criteria: ARUP Molecular Germline Variant Investigation Process 2024. Collection method: clinical testing. Allele origin: germline. Not counted in ClinVar's aggregate classification.
Comment: The VWF c.6859C>T; p.Arg2287Trp variant (rs61750625, ClinVar Variation ID: 100450) is reported in the literature in individuals affected with von Willebrand disease (Goodeve 2007, Eikenboom 2009, Flood 2013, Sadler 2021) but has also been found in unaffected controls (Bellissimo 2012). Functional analyses of the variant protein show slightly impaired secretion (Flood 2013, Konig 2019). This variant is found in the African population with an allele frequency of 0.8% (199/24962 alleles, including 1 homozygote) in the Genome Aggregation Database (v2.1.1). Computational analyses are uncertain whether this variant is neutral or deleterious (REVEL: 0.34). Due to limited information, the clinical significance of the p.Arg2287Trp variant is uncertain at this time. References: Bellissimo DB et al. VWF mutations and new sequence variations identified in healthy controls are more frequent in the African-American population. Blood. 2012 Mar 1;119(9):2135-40. PMID: 22197721. Eikenboom J et al. Expression of 14 von Willebrand factor mutations identified in patients with type 1 von Willebrand disease from the MCMDM-1VWD study. J Thromb Haemost. 2009 Aug;7(8):1304-12. PMID: 19566550. Flood VH et al. Collagen binding provides a sensitive screen for variant von Willebrand disease. Clin Chem. 2013 Apr;59(4):684-91. PMID: 23340442. Goodeve A et al. Phenotype and genotype of a cohort of families historically diagnosed with type 1 von Willebrand disease in the European study, Molecular and Clinical Markers for the Diagnosis and Management of Type 1 von Willebrand Disease (MCMDM-1VWD). Blood. 2007 Jan 1;109(1):112-21. PMID: 16985174. Konig G et al. Alteration in GPIIb/IIIa Binding of VWD-Associated von Willebrand Factor Variants with C-Terminal Missense Mutations. Thromb Haemost. 2019 Jul;119(7):1102-1111. PMID: 31035301. Sadler B et al. von Willebrand factor antigen levels are associated with burden of rare nonsynonymous variants in the VWF gene. Blood. 2021 Jun 10;137(23):3277-3283. PMID: 33556167.

Blueprint Genetics
Classification: Uncertain significance. Last evaluated: 2024-07-15. Review status: criteria provided, single submitter. Criteria: ACMG Guidelines, 2015. Collection method: clinical testing. Allele origin: germline. Not counted in ClinVar's aggregate classification.

Mayo Clinic Laboratories, Mayo Clinic
Classification: Uncertain significance. Last evaluated: 2022-12-19. Review status: criteria provided, single submitter. Criteria: ACMG Guidelines, 2015. Collection method: clinical testing. Allele origin: germline. Observed: 4 variant alleles. Not counted in ClinVar's aggregate classification.
Comment: PS3

Fulgent Genetics
Classification: Uncertain significance for von Willebrand disease type 1; von Willebrand disease type 3; von Willebrand disease type 2. Last evaluated: 2021-10-18. Review status: criteria provided, single submitter. Criteria: ACMG Guidelines, 2015. Collection method: clinical testing. Allele origin: unknown. Not counted in ClinVar's aggregate classification.

Eurofins Ntd Llc (ga)
Classification: Uncertain significance. Last evaluated: 2017-02-06. Review status: criteria provided, single submitter. Criteria: EGL Classification Definitions 2015. Collection method: clinical testing. Allele origin: germline. Observed: 1 variant allele, 1 heterozygote. Not counted in ClinVar's aggregate classification.

CeGaT Center for Human Genetics Tuebingen
Classification: Uncertain significance. Last evaluated: 2016-10-01. Review status: criteria provided, single submitter. Criteria: CeGaT Center For Human Genetics Tuebingen Variant Classification Criteria Version 2. Collection method: clinical testing. Allele origin: germline. Affected: yes. Observed: 1 variant allele. Not counted in ClinVar's aggregate classification.

Zotz-Klimas Genetics Lab, MVZ Zotz Klimas
Classification: Uncertain significance for von Willebrand disease type 1. Last evaluated: 2023-10-30. Review status: no assertion criteria provided. Collection method: clinical testing. Allele origin: germline. Affected: yes. Not counted in ClinVar's aggregate classification.

Academic Unit of Haematology, University of Sheffield
No classification provided. Review status: no classification provided. Collection method: not provided. Allele origin: not provided. Not counted in ClinVar's aggregate classification.

Literature cited by the submitters: PubMed 16985174 (cited by Women's Health and Genetics/Laboratory Corporation of America, LabCorp and Quest Diagnostics Nichols Institute San Juan Capistrano); PubMed 33556167 (cited by Women's Health and Genetics/Laboratory Corporation of America, LabCorp and Quest Diagnostics Nichols Institute San Juan Capistrano); PubMed 19566550 (cited by Women's Health and Genetics/Laboratory Corporation of America, LabCorp and Quest Diagnostics Nichols Institute San Juan Capistrano); PubMed 23340442 (cited by Women's Health and Genetics/Laboratory Corporation of America, LabCorp and Quest Diagnostics Nichols Institute San Juan Capistrano); PubMed 16321553 (cited by Women's Health and Genetics/Laboratory Corporation of America, LabCorp); PubMed 35734101 (cited by Women's Health and Genetics/Laboratory Corporation of America, LabCorp and Quest Diagnostics Nichols Institute San Juan Capistrano); PubMed 35552711 (cited by Quest Diagnostics Nichols Institute San Juan Capistrano); PubMed 37845247 (cited by Quest Diagnostics Nichols Institute San Juan Capistrano); PubMed 39081726 (cited by Quest Diagnostics Nichols Institute San Juan Capistrano); PubMed 22197721 (cited by Quest Diagnostics Nichols Institute San Juan Capistrano); PubMed 23216583 (cited by Quest Diagnostics Nichols Institute San Juan Capistrano); PubMed 23690449 (cited by Quest Diagnostics Nichols Institute San Juan Capistrano); PubMed 25564403 (cited by Quest Diagnostics Nichols Institute San Juan Capistrano); PubMed 37647632 (cited by Quest Diagnostics Nichols Institute San Juan Capistrano); PubMed 31035301 (cited by Quest Diagnostics Nichols Institute San Juan Capistrano); PubMed 31968368 (cited by Quest Diagnostics Nichols Institute San Juan Capistrano).